The following is an entry in ClinVar:

NM_001375905.1(SGMS2):c.17C>G (p.Thr6Arg)

Genes: CYP2U1-AS1 (CYP2U1 and SGMS2 antisense RNA 1; minus strand), SGMS2 (sphingomyelin synthase 2; plus strand). Cytogenetic location: 4q25.
Variant type: single nucleotide variant.
Coding change: c.17C>G on transcript NM_001375905.1 (MANE Select); coding-DNA position 17, C replaced by G.
Protein change: p.Thr6Arg; replaces threonine 6 with arginine.
Molecular consequence: missense variant. On other transcripts: intron variant (1).
Genome position (GRCh38, 1-based): chr4:107,895,570, C>G. VCF-style: chr4-107895570-C-G. GRCh37 (hg19) VCF-style: chr4-108816726-C-G.
Other names: c.17C>G, p.Thr6Arg (NM_001136257.2, NM_001136258.2, NM_001375906.1 and 4 more transcripts); c.-64-4005C>G (NM_001375911.1); short protein forms T6R.
Identifiers: ClinVar variation 3698111 (VCV003698111.2).

ClinVar aggregate classification (germline): Uncertain significance (1 of 4 stars; one submission).

gnomAD v4.1: 1 of 1,613,482 alleles (0.000062%); highest among the groups gnomAD compares: Non-Finnish European, 0.000085%; no homozygotes.

Submission:

Labcorp Genetics (formerly Invitae), Labcorp
Classification: Uncertain significance. Last evaluated: 2024-12-18. Review status: criteria provided, single submitter. Criteria: Invitae Variant Classification Sherloc (09022015). Collection method: clinical testing. Allele origin: germline.
Comment: This sequence change replaces threonine, which is neutral and polar, with arginine, which is basic and polar, at codon 6 of the SGMS2 protein (p.Thr6Arg). This variant is not present in population databases (gnomAD no frequency). This variant has not been reported in the literature in individuals affected with SGMS2-related conditions. An algorithm developed to predict the effect of missense changes on protein structure and function (PolyPhen-2) suggests that this variant is likely to be disruptive. In summary, the available evidence is currently insufficient to determine the role of this variant in disease. Therefore, it has been classified as a Variant of Uncertain Significance.